The following is an entry in ClinVar:

NM_001365276.2(TNXB):c.3082C>G (p.Leu1028Val)

Gene: TNXB (tenascin XB; minus strand). Cytogenetic location: 6p21.33.
Variant type: single nucleotide variant.
Coding change: c.3082C>G on transcript NM_001365276.2 (MANE Select); coding-DNA position 3082, C replaced by G.
Protein change: p.Leu1028Val; replaces leucine 1028 with valine.
Molecular consequence: missense variant.
Genome position (GRCh38, 1-based): chr6:32,085,816, G>C on the plus strand (C>G on the coding strand, the complement: TNXB is on the minus strand). VCF-style: chr6-32085816-G-C. GRCh37 (hg19) VCF-style: chr6-32053593-G-C.
Other names: c.3082C>G, p.Leu1028Val (NM_019105.8); short protein forms L1028V.
Identifiers: ClinVar variation 2353097 (VCV002353097.3), dbSNP rs773337783, ClinGen allele CA3735256.

ClinVar aggregate classification (germline): Uncertain significance. Review status: criteria provided, multiple submitters, no conflicts (2 of 4 stars). 2 submissions from 2 submitters: Uncertain significance (2). Last evaluated 2026-01-09.

Conditions:
Cardiovascular phenotype. Identifiers: MedGen CN230736.

Allele frequency attached by ClinVar (database versions not stated): ExAC 0.00001; gnomAD 0.00001; gnomAD exomes 0.00002; TOPMed 0.00002.
gnomAD v4.1: 14 of 1,601,310 alleles (0.00087%); highest among the groups gnomAD compares: Admixed American, 0.023%; no homozygotes.

Submissions (2):

Women's Health and Genetics/Laboratory Corporation of America, LabCorp
Classification: Uncertain significance. Last evaluated: 2026-01-09. Review status: criteria provided, single submitter. Criteria: LabCorp Variant Classification Summary - May 2015. Collection method: clinical testing. Allele origin: germline.
Comment: Variant summary: TNXB c.3082C>G (p.Leu1028Val) results in a conservative amino acid change in the encoded protein sequence. Algorithms developed to predict the effect of missense changes on protein structure and function all suggest that this variant is likely to be tolerated. The variant allele was found at a frequency of 4.2e-05 in 239958 control chromosomes, predominantly at a frequency of 0.00029 within the Latino subpopulation in the gnomAD database. This frequency is not significantly higher than estimated for disease-causing variants in TNXB, allowing no conclusion about variant significance. To our knowledge, no occurrence of c.3082C>G in individuals affected with TNXB-related conditions and no experimental evidence demonstrating its impact on protein function have been reported. ClinVar contains an entry for this variant (Variation ID: 2353097). Based on the evidence outlined above, the variant was classified as uncertain significance.

Ambry Genetics
Classification: Uncertain significance for Cardiovascular phenotype. Last evaluated: 2021-08-02. Review status: criteria provided, single submitter. Criteria: Ambry Variant Classification Scheme 2023. Collection method: clinical testing. Allele origin: germline.